The following is an entry in ClinVar:

ClinVar aggregate classification (germline): Pathogenic/Likely pathogenic. Review status: criteria provided, multiple submitters, no conflicts (2 of 4 stars). 5 submissions from 5 submitters: Pathogenic (1); Likely pathogenic (4). Last evaluated 2025-01-23.

Conditions:
ABCB11-related disorder. Also called: ABCB11-related condition.
Progressive familial intrahepatic cholestasis type 2. Identifiers: Orphanet 79304, MedGen C3489789, MONDO:0011156, OMIM 601847.

Submissions (5):

Broad Center for Mendelian Genomics, Broad Institute of MIT and Harvard
Classification: Likely pathogenic for Progressive familial intrahepatic cholestasis type 2. Last evaluated: 2025-01-23. Review status: criteria provided, single submitter. Criteria: ACMG Guidelines, 2015. Collection method: curation. Allele origin: germline. Inheritance: Autosomal recessive inheritance.
Comment: The p.Ser1220Ter variant in ABCB11 has not been previously reported in the literature in individuals with BSEP deficiency, but has been identified in 0.002% (1/64008) of European (Finnish) chromosomes. by the Genome Aggregation Database (gnomAD; dbSNP rs1691231110). Although this variant has been seen in the general population in a heterozygous state, its frequency is low enough to be consistent with a recessive carrier frequency. This variant has also been reported in ClinVar (Variation ID: 1451770) and has been interpreted as pathogenic by Invitae. This variant is predicted to cause a frameshift, which alters the protein‚Äôs amino acid sequence beginning at position 1220 and leads to a premature termination codon in the same amino acid. This alteration is then predicted to lead to a truncated or absent protein. Loss of function of the ABCB11 gene is an established disease mechanism in autosomal recessive BSEP deficiency. In summary, the clinical significance of the p.Ser1220Ter variant is uncertain. ACMG/AMP Criteria applied: PVS1, PM2_supporting (Richards 2015).

Natera, Inc.
Classification: Likely pathogenic for Progressive familial intrahepatic cholestasis type 2. Last evaluated: 2024-11-27. Review status: criteria provided, single submitter. Criteria: Natera Variant Classification Schema (03/2026). Collection method: clinical testing. Allele origin: germline.
Comment: The c.3659_3660del variant in ABCB11 is a frameshift variant predicted to shift the reading frame and introduce a stop codon. This variant is expected to result in nonsense mediated decay, truncation, or a dysfunctional protein product. This variant is rare in the general population with a frequency below the threshold expected for the associated phenotype(s). Given the available evidence, this variant is classified as Likely Pathogenic.

Neuberg Centre For Genomic Medicine, NCGM
Classification: Likely pathogenic for Progressive familial intrahepatic cholestasis type 2. Last evaluated: 2023-05-20. Review status: criteria provided, single submitter. Criteria: ACMG Guidelines, 2015. Collection method: clinical testing. Allele origin: germline. Inheritance: Autosomal recessive inheritance. Affected: yes.
Comment: The observed frameshift variant c.3659_3660del(p.Ser1220Ter) in ABCB11 gene has not been reported previously as a pathogenic variant nor as a benign variant, to our knowledge. The c.3659_3660del variant is absent in gnomAD Exomes. This variant has been submitted to the ClinVar database as Pathogenic. However, experimental studies on the pathogenicity of the variant are not available. Since this variant is present in the penultimate exon, functional studies will be required to prove protein truncation. For these reasons, this variant has been classified as Likely Pathogenic.

Labcorp Genetics (formerly Invitae), Labcorp
Classification: Pathogenic. Last evaluated: 2022-02-05. Review status: criteria provided, single submitter. Criteria: Invitae Variant Classification Sherloc (09022015). Collection method: clinical testing. Allele origin: germline.
Comment: For these reasons, this variant has been classified as Pathogenic. This variant has not been reported in the literature in individuals affected with ABCB11-related conditions. This variant is not present in population databases (gnomAD no frequency). This sequence change creates a premature translational stop signal (p.Ser1220*) in the ABCB11 gene. It is expected to result in an absent or disrupted protein product. Loss-of-function variants in ABCB11 are known to be pathogenic (PMID: 18395098, 20232290).

Blueprint Genetics
Classification: Likely pathogenic for ABCB11-related disorders. Last evaluated: 2018-12-12. Review status: criteria provided, single submitter. Criteria: ACMG Guidelines, 2015. Collection method: clinical testing. Allele origin: germline. Affected: yes. Observed: 1 variant allele.

Literature cited by the submitters: PubMed 18395098 (cited by Labcorp Genetics (formerly Invitae), Labcorp); PubMed 20232290 (cited by Labcorp Genetics (formerly Invitae), Labcorp).

NM_003742.4(ABCB11):c.3659_3660del (p.Leu1219_Ser1220insTer)

Gene: ABCB11 (ATP binding cassette subfamily B member 11; minus strand). Cytogenetic location: 2q31.1.
Variant type: Microsatellite.
Coding change: c.3659_3660del on transcript NM_003742.4 (MANE Select); coding-DNA positions 3659 to 3660, 2 bases deleted (CT; older notation c.3659_3660delCT).
Protein change: p.Leu1219_Ser1220insTer.
Molecular consequence: nonsense.
Genome position (GRCh38, 1-based): chr2:168,924,762-168,924,763, AG deleted on the plus strand (CT on the coding strand, the reverse complement: ABCB11 is on the minus strand); deleting any 2 consecutive bases within chr2:168,924,762-168,924,767 gives the same sequence; the c. name uses the placement nearest the transcript's 3' end. VCF-style (leftmost placement, unchanged base first): chr2-168924761-TAG-T. GRCh37 (hg19) VCF-style: chr2-169781271-TAG-T.
Other names: NM_003742.4(ABCB11):c.3659_3660del; p.Leu1219_Ser1220insTer.
Identifiers: ClinVar variation 1451770 (VCV001451770.10), dbSNP rs1691231110, ClinGen allele CA1039022926.
Genomic context (GRCh38, chr2:168,924,761, plus strand): 5'-GCAAGATTTTAGGATCTCGTACAATGGCCCGAGCAATAGCAATGCGTTGTTTCTCCCCTC[TAG>T]AGAGTTGAGACCCCTGGGACCCAACGTTAGTTTCATATTTCTGAAAAAAAGTATGATAAG-3'